The following is an entry in ClinVar:

NM_006371.5(CRTAP):c.887_888insACAATGATACAAGT (p.Thr296_Met297insGlnTer)

Gene: CRTAP (cartilage associated protein; plus strand). Cytogenetic location: 3p22.3.
Variant type: Insertion.
Coding change: c.887_888insACAATGATACAAGT on transcript NM_006371.5 (MANE Select); coding-DNA positions 887 to 888, ACAATGATACAAGT inserted.
Protein change: p.Thr296_Met297insGlnTer.
Molecular consequence: nonsense, inframe insertion. On other transcripts: intron variant (1).
Genome position: GRCh38 VCF-style: chr3-33130032-C-CACAATGATACAAGT. GRCh37 (hg19) VCF-style: chr3-33171524-C-CACAATGATACAAGT.
Other names: c.887_888insACAATGATACAAGT, p.Thr296_Met297insGlnTer (NM_001393363.1); c.737_738insACAATGATACAAGT, p.Thr246_Met247insGlnTer (NM_001393365.1); c.794-2523_794-2522insACAATGATACAAGT (NM_001393364.1).
Identifiers: ClinVar variation 2856018 (VCV002856018.3), dbSNP rs2471581983, ClinGen allele CA2739279438.

ClinVar aggregate classification (germline): Pathogenic (1 of 4 stars; one submission).

Conditions:
Osteogenesis imperfecta type 7 (OI7). Also called: OSTEOGENESIS IMPERFECTA, TYPE IIB; Osteogenesis imperfecta type 2B; OI type 2B; Osteogenesis imperfecta, perinatal lethal autosomal recessive; OI type IIB; OI type 7. Identifiers: MedGen C1853162, MONDO:0012536, OMIM 610682.

Submission:

Labcorp Genetics (formerly Invitae), Labcorp
Classification: Pathogenic for Osteogenesis imperfecta type 7. Last evaluated: 2023-04-14. Review status: criteria provided, single submitter. Criteria: Invitae Variant Classification Sherloc (09022015). Collection method: clinical testing. Allele origin: germline.
Comment: For these reasons, this variant has been classified as Pathogenic. This variant has not been reported in the literature in individuals affected with CRTAP-related conditions. This variant is not present in population databases (gnomAD no frequency). This sequence change creates a premature translational stop signal (p.Met297Glnfs*2) in the CRTAP gene. It is expected to result in an absent or disrupted protein product. Loss-of-function variants in CRTAP are known to be pathogenic (PMID: 17055431, 19862557, 24715559).

Literature cited by the submitters: PubMed 17055431; PubMed 19862557; PubMed 24715559.